The following is an entry in ClinVar:

NM_003705.5(SLC25A12):c.254G>T (p.Cys85Phe)

Gene: SLC25A12 (solute carrier family 25 member 12; minus strand). Cytogenetic location: 2q31.1.
Variant type: single nucleotide variant.
Coding change: c.254G>T on transcript NM_003705.5 (MANE Select); coding-DNA position 254, G replaced by T.
Protein change: p.Cys85Phe; replaces cysteine 85 with phenylalanine.
Molecular consequence: missense variant.
Genome position (GRCh38, 1-based): chr2:171,855,905, C>A on the plus strand (G>T on the coding strand, the complement: SLC25A12 is on the minus strand). VCF-style: chr2-171855905-C-A. GRCh37 (hg19) VCF-style: chr2-172712415-C-A.
Other names: short protein forms C85F.
Identifiers: ClinVar variation 1901136 (VCV001901136.2), dbSNP rs1482055530, ClinGen allele CA349632515.

ClinVar aggregate classification (germline): Uncertain significance (1 of 4 stars; one submission).

Allele frequency attached by ClinVar (database versions not stated): TOPMed below 0.00001; gnomAD 0.00001.
gnomAD v4.1: 2 of 1,613,232 alleles (0.00012%); highest among the groups gnomAD compares: African/African-American, 0.0027%; no homozygotes.

Submission:

Labcorp Genetics (formerly Invitae), Labcorp
Classification: Uncertain significance. Last evaluated: 2022-10-13. Review status: criteria provided, single submitter. Criteria: Invitae Variant Classification Sherloc (09022015). Collection method: clinical testing. Allele origin: germline.
Comment: This sequence change replaces cysteine, which is neutral and slightly polar, with phenylalanine, which is neutral and non-polar, at codon 85 of the SLC25A12 protein (p.Cys85Phe). This variant is not present in population databases (gnomAD no frequency). This variant has not been reported in the literature in individuals affected with SLC25A12-related conditions. Advanced modeling of protein sequence and biophysical properties (such as structural, functional, and spatial information, amino acid conservation, physicochemical variation, residue mobility, and thermodynamic stability) has been performed at Invitae for this missense variant, however the output from this modeling did not meet the statistical confidence thresholds required to predict the impact of this variant on SLC25A12 protein function. In summary, the available evidence is currently insufficient to determine the role of this variant in disease. Therefore, it has been classified as a Variant of Uncertain Significance.